The following is an entry in ClinVar:

NM_005219.5(DIAPH1):c.3247A>G (p.Lys1083Glu)

Gene: DIAPH1 (diaphanous related formin 1; minus strand). Cytogenetic location: 5q31.3.
Variant type: single nucleotide variant.
Coding change: c.3247A>G on transcript NM_005219.5 (MANE Select); coding-DNA position 3247, A replaced by G.
Protein change: p.Lys1083Glu; replaces lysine 1083 with glutamic acid.
Molecular consequence: missense variant.
Genome position (GRCh38, 1-based): chr5:141,527,599, T>C on the plus strand (A>G on the coding strand, the complement: DIAPH1 is on the minus strand). VCF-style: chr5-141527599-T-C. GRCh37 (hg19) VCF-style: chr5-140907166-T-C.
Other names: c.3220A>G, p.Lys1074Glu (NM_001079812.3); c.3247A>G, p.Lys1083Glu (NM_001314007.2); short protein forms K1074E, K1083E.
Identifiers: ClinVar variation 2011946 (VCV002011946.4), dbSNP rs2513621616, ClinGen allele CA361580890.

ClinVar aggregate classification (germline): Uncertain significance (1 of 4 stars; one submission).

Conditions:
Autosomal dominant nonsyndromic hearing loss 1. Also called: KONIGSMARK SYNDROME; DEAFNESS, AUTOSOMAL DOMINANT 1, WITH OR WITHOUT THROMBOCYTOPENIA. Identifiers: Orphanet 90635, MedGen C1852282, MONDO:0007424, OMIM 124900.
Progressive microcephaly-seizures-cortical blindness-developmental delay syndrome. Also called: Seizures, cortical blindness, and microcephaly syndrome. Identifiers: Orphanet 477814, MedGen C5567650, MONDO:0014714, OMIM 616632.

Submission:

Labcorp Genetics (formerly Invitae), Labcorp
Classification: Uncertain significance for Progressive microcephaly-seizures-cortical blindness-developmental delay syndrome; Autosomal dominant nonsyndromic hearing loss 1. Last evaluated: 2025-04-07. Review status: criteria provided, single submitter. Criteria: Invitae Variant Classification Sherloc (09022015). Collection method: clinical testing. Allele origin: germline.
Comment: This sequence change replaces lysine, which is basic and polar, with glutamic acid, which is acidic and polar, at codon 1083 of the DIAPH1 protein (p.Lys1083Glu). This variant is not present in population databases (gnomAD no frequency). This variant has not been reported in the literature in individuals affected with DIAPH1-related conditions. ClinVar contains an entry for this variant (Variation ID: 2011946). An algorithm developed to predict the effect of missense changes on protein structure and function (PolyPhen-2) suggests that this variant is likely to be tolerated. In summary, the available evidence is currently insufficient to determine the role of this variant in disease. Therefore, it has been classified as a Variant of Uncertain Significance.